The following is an entry in ClinVar:

NM_000051.4(ATM):c.475A>G (p.Ile159Val)

Gene: ATM (ATM serine/threonine kinase; plus strand). Cytogenetic location: 11q22.3.
Variant type: single nucleotide variant.
Coding change: c.475A>G on transcript NM_000051.4 (MANE Select); coding-DNA position 475, A replaced by G.
Protein change: p.Ile159Val; replaces isoleucine 159 with valine.
Molecular consequence: missense variant.
Genome position (GRCh38, 1-based): chr11:108,235,813, A>G. VCF-style: chr11-108235813-A-G. GRCh37 (hg19) VCF-style: chr11-108106540-A-G.
Other names: c.475A>G, p.Ile159Val (NM_001351834.2); short protein forms I159V.
Identifiers: ClinVar variation 569468 (VCV000569468.11), dbSNP rs1565357315, ClinGen allele CA382525594.

ClinVar aggregate classification (germline): Uncertain significance. Review status: criteria provided, multiple submitters, no conflicts (2 of 4 stars). 4 submissions from 4 submitters: Uncertain significance (4). Last evaluated 2025-01-15.

Conditions:
Hereditary cancer-predisposing syndrome. Also called: Hereditary neoplastic syndrome; Neoplastic Syndromes, Hereditary; Hereditary Cancer Syndrome; Tumor predisposition. Identifiers: Orphanet 140162, MedGen C0027672, MeSH D009386, MONDO:0015356.
Ataxia-telangiectasia syndrome (AT). Also called: AT, COMPLEMENTATION GROUP C; Cerebello-oculocutaneous telangiectasia; Immunodeficiency with ataxia telangiectasia; Ataxia-telangiectasia, complementation group D; ATAXIA-TELANGIECTASIA, FRESNO VARIANT; Ataxia-telangiectasia, complementation group E. Identifiers: Orphanet 100, MedGen C0004135, MONDO:0008840, OMIM 208900.
Familial cancer of breast. Also called: BREAST CANCER, FAMILIAL; hereditary breast carcinoma; Hereditary breast cancer. Identifiers: Orphanet 227535, MedGen C0346153, MONDO:0016419, OMIM 114480. Disease mechanism: loss of function.

Allele frequency attached by ClinVar (database versions not stated): gnomAD exomes below 0.00001; gnomAD 0.00001.
gnomAD v4.1: 2 of 1,613,720 alleles (0.00012%); highest among the groups gnomAD compares: Non-Finnish European, 0.00017%; no homozygotes.

Submissions (4):

Labcorp Genetics (formerly Invitae), Labcorp
Classification: Uncertain significance for Ataxia-telangiectasia syndrome. Last evaluated: 2025-01-15. Review status: criteria provided, single submitter. Criteria: Invitae Variant Classification Sherloc (09022015). Collection method: clinical testing. Allele origin: germline.
Comment: This sequence change replaces isoleucine, which is neutral and non-polar, with valine, which is neutral and non-polar, at codon 159 of the ATM protein (p.Ile159Val). This variant is not present in population databases (gnomAD no frequency). This variant has not been reported in the literature in individuals affected with ATM-related conditions. ClinVar contains an entry for this variant (Variation ID: 569468). Invitae Evidence Modeling of protein sequence and biophysical properties (such as structural, functional, and spatial information, amino acid conservation, physicochemical variation, residue mobility, and thermodynamic stability) indicates that this missense variant is not expected to disrupt ATM protein function with a negative predictive value of 95%. In summary, the available evidence is currently insufficient to determine the role of this variant in disease. Therefore, it has been classified as a Variant of Uncertain Significance.

Department of Human Genetics, Hannover Medical School
Classification: Uncertain significance for Familial cancer of breast. Last evaluated: 2024-10-09. Review status: criteria provided, single submitter. Criteria: ACMG Guidelines, 2015. Collection method: clinical testing. Allele origin: germline. Affected: yes.
Comment: ATM VCEP: BP4

Color Diagnostics, LLC DBA Color Health
Classification: Uncertain significance for Hereditary cancer-predisposing syndrome. Last evaluated: 2023-08-18. Review status: criteria provided, single submitter. Criteria: ACMG Guidelines, 2015. Collection method: clinical testing. Allele origin: germline.
Comment: This missense variant replaces isoleucine with valine at codon 159 of the ATM protein. Computational prediction suggests that this variant may not impact protein structure and function (internally defined REVEL score threshold <= 0.5, PMID: 27666373). To our knowledge, functional studies have not been reported for this variant. This variant has not been reported in individuals affected with ATM-related disorders in the literature. This variant has not been identified in the general population by the Genome Aggregation Database (gnomAD). The available evidence is insufficient to determine the role of this variant in disease conclusively. Therefore, this variant is classified as a Variant of Uncertain Significance.

Baylor Genetics
Classification: Uncertain significance for Familial cancer of breast. Last evaluated: 2023-08-02. Review status: criteria provided, single submitter. Criteria: ACMG Guidelines, 2015. Collection method: clinical testing. Allele origin: unknown.